The following is an entry in ClinVar:

ClinVar aggregate classification (germline): Likely benign (1 of 4 stars; one submission).

Allele frequency attached by ClinVar (database versions not stated): 1000 Genomes Project 30x 0.00031; 1000 Genomes Project 0.00040; gnomAD 0.00069.
gnomAD v4.1: 106 of 148,584 alleles (0.071%); highest among the groups gnomAD compares: South Asian, 0.25%; 13 homozygotes.

Submission:

CeGaT Center for Human Genetics Tuebingen
Classification: Likely benign. Last evaluated: 2023-01-01. Review status: criteria provided, single submitter. Criteria: CeGaT Center For Human Genetics Tuebingen Variant Classification Criteria Version 2. Collection method: clinical testing. Allele origin: germline. Affected: yes. Observed: 1 variant allele.
Comment: DMBT1: BS2

NM_001377530.1(DMBT1):c.1784-844G>A

Gene: DMBT1 (deleted in malignant brain tumors 1; plus strand). Cytogenetic location: 10q26.13.
Variant type: single nucleotide variant.
Coding change: c.1784-844G>A on transcript NM_001377530.1 (MANE Select); 844 bases into the intron before coding-DNA position 1784, G replaced by A.
Molecular consequence: intron variant.
Genome position (GRCh38, 1-based): chr10:122,588,100, G>A. VCF-style: chr10-122588100-G-A. GRCh37 (hg19) VCF-style: chr10-124347616-G-A.
Other names: c.1784-844G>A (NM_007329.3, NM_001320644.2); c.1420+3749G>A (NM_004406.3); c.1754-844G>A (NM_017579.3).
Identifiers: ClinVar variation 2640920 (VCV002640920.24), dbSNP rs569323950, ClinGen allele CA215128573.